The following is an entry in ClinVar:

ClinVar aggregate classification (germline): Uncertain significance. Review status: criteria provided, multiple submitters, no conflicts (2 of 4 stars). 2 submissions from 2 submitters: Uncertain significance (2). Last evaluated 2024-12-03.

Conditions:
Neuropathy, hereditary sensory and autonomic, type 2A (HSAN2A). Also called: WNK1-Related HSAN2 (HSAN2A); ACROOSTEOLYSIS, GIACCAI TYPE; ACROOSTEOLYSIS, NEUROGENIC; MORVAN DISEASE; NEUROPATHY, CONGENITAL SENSORY; NEUROPATHY, HEREDITARY SENSORY RADICULAR, AUTOSOMAL RECESSIVE. Identifiers: Orphanet 970, MedGen C2752089, MONDO:0024309, OMIM 201300.
Generalized epilepsy with febrile seizures plus, type 7 (GEFSP7). Also called: GEFS+, TYPE 7. Identifiers: Orphanet 36387, MedGen C2751778, MONDO:0013470, OMIM 613863.
Inborn genetic diseases. Identifiers: MedGen C0950123, MeSH D030342.

Allele frequency attached by ClinVar (database versions not stated): TOPMed below 0.00001; gnomAD 0.00001; gnomAD exomes 0.00001.
gnomAD v4.1: 8 of 1,609,902 alleles (0.0005%); highest among the groups gnomAD compares: East Asian, 0.016%; no homozygotes.

Submissions (2):

Ambry Genetics
Classification: Uncertain significance for Inborn genetic diseases. Last evaluated: 2024-12-03. Review status: criteria provided, single submitter. Criteria: Ambry Variant Classification Scheme 2023. Collection method: clinical testing. Allele origin: germline.

Labcorp Genetics (formerly Invitae), Labcorp
Classification: Uncertain significance for Neuropathy, hereditary sensory and autonomic, type 2A; Generalized epilepsy with febrile seizures plus, type 7. Last evaluated: 2016-10-15. Review status: criteria provided, single submitter. Criteria: Invitae Variant Classification Sherloc (09022015). Collection method: clinical testing. Allele origin: germline.
Comment: This sequence change replaces lysine with glutamic acid at codon 1965 of the SCN9A protein (p.Lys1965Glu). The lysine residue is highly conserved and there is a small physicochemical difference between lysine and glutamic acid. This variant is not present in population databases (ExAC no frequency) and has not been reported in the literature in individuals with a SCN9A-related disease. Algorithms developed to predict the effect of missense changes on protein structure and function (SIFT, Align-GVGD) both suggest that this variant is likely to be disruptive, but these predictions have not been confirmed by published functional studies. In summary, this variant is a novel missense change with uncertain impact on protein function. It has been classified as a Variant of Uncertain Significance.

NM_001365536.1(SCN9A):c.5926A>G (p.Lys1976Glu)

Genes: SCN9A (sodium voltage-gated channel alpha subunit 9; minus strand), SCN1A-AS1 (SCN1A and SCN9A antisense RNA 1; plus strand). Cytogenetic location: 2q24.3.
Variant type: single nucleotide variant.
Coding change: c.5926A>G on transcript NM_001365536.1 (MANE Select); coding-DNA position 5926, A replaced by G.
Protein change: p.Lys1976Glu; replaces lysine 1976 with glutamic acid.
Molecular consequence: missense variant.
Genome position (GRCh38, 1-based): chr2:166,198,713, T>C on the plus strand (A>G on the coding strand, the complement: SCN9A is on the minus strand). VCF-style: chr2-166198713-T-C. GRCh37 (hg19) VCF-style: chr2-167055223-T-C.
Other names: c.5893A>G, p.Lys1965Glu (NM_002977.4); short protein forms K1965E, K1976E.
Identifiers: ClinVar variation 408575 (VCV000408575.10), dbSNP rs1034452097, ClinGen allele CA16610253.
Genomic context (GRCh38, chr2:166,198,713, plus strand): 5'-ATATATCAAAAATGAAGCTCTATTTTTTGCTTTCCTTGCTGTCTTTCCCTTTGTCTTCCT[T>C]TTCTGTTCTGTCTTGTTCATATTTCTCTTTGTCTGGCTTTGTTACACTATCATATGAAGG-3'
Protein context (NP_001352465.1, residues 1966-1986): KEKYEQDRTE[Lys1976Glu]EDKGKDSKES